The following is an entry in ClinVar:

ClinVar aggregate classification (germline): Pathogenic. Review status: criteria provided, multiple submitters, no conflicts (2 of 4 stars). 2 submissions from 2 submitters: Pathogenic (2). Last evaluated 2026-06-09.

Conditions:
Cardiovascular phenotype. Identifiers: MedGen CN230736.

Submissions (2):

Ambry Genetics
Classification: Pathogenic for Cardiovascular phenotype. Last evaluated: 2026-06-09. Review status: criteria provided, single submitter. Criteria: Ambry Variant Classification Scheme 2023. Collection method: clinical testing. Allele origin: germline.
Comment: The c.3114_3115delCCinsTT pathogenic mutation, located in coding exon 6 of the ALPK3 gene, results from a deletion of CC and insertion of TT at nucleotide positions 3114 to 3115. This changes the amino acid at codon 1039 from a glutamine to a stop codon (p.Q1039*). This variant is considered to be rare based on population cohorts in the Genome Aggregation Database (gnomAD). This variant is expected to result in loss of function by premature protein truncation or nonsense-mediated mRNA decay. As such, this variant is interpreted as a disease-causing mutation.

Labcorp Genetics (formerly Invitae), Labcorp
Classification: Pathogenic. Last evaluated: 2024-10-26. Review status: criteria provided, single submitter. Criteria: Invitae Variant Classification Sherloc (09022015). Collection method: clinical testing. Allele origin: germline.
Comment: This sequence change creates a premature translational stop signal (p.Gln1039*) in the ALPK3 gene. It is expected to result in an absent or disrupted protein product. Loss-of-function variants in ALPK3 are known to be pathogenic (PMID: 21441111, 26846950, 27106955, 34263907). Information on the frequency of this variant in the gnomAD database is not available, as this variant may be reported differently in the database. This variant has not been reported in the literature in individuals affected with ALPK3-related conditions. For these reasons, this variant has been classified as Pathogenic.

Literature cited by the submitters: PubMed 21441111 (cited by Labcorp Genetics (formerly Invitae), Labcorp); PubMed 26846950 (cited by Labcorp Genetics (formerly Invitae), Labcorp); PubMed 27106955 (cited by Labcorp Genetics (formerly Invitae), Labcorp); PubMed 34263907 (cited by Labcorp Genetics (formerly Invitae), Labcorp).

NM_020778.5(ALPK3):c.2508_2509delinsTT (p.Gln837Ter)

Gene: ALPK3 (alpha kinase 3; plus strand). Cytogenetic location: 15q25.3.
Variant type: Indel.
Coding change: c.2508_2509delinsTT on transcript NM_020778.5 (MANE Select); coding-DNA positions 2508 to 2509, CC replaced by TT.
Protein change: p.Gln837Ter; replaces glutamine 837 with a stop codon.
Molecular consequence: nonsense.
Genome position (GRCh38, 1-based): chr15:84,857,246-84,857,247, CC replaced by TT. VCF-style: chr15-84857246-CC-TT. GRCh37 (hg19) VCF-style: chr15-85400477-CC-TT.
Other names: c.3114_3115delCCinsTT (NM_020778.4); short protein forms Q837*.
Identifiers: ClinVar variation 3723801 (VCV003723801.3).
Genomic context (GRCh38, chr15:84,857,246, plus strand): 5'-GAGATGCCGAGGGCCACAGTCATCAGGCCCAGTCGAGGCCAAGCAGGAGGACAGCCCGTT[CC>TT]AGTGCCCCAAGGAGGAGCGGCCAGGGGGAGTGCCGTGTATGGATCAGGGTGGCTGTCCTC-3'